The following is an entry in ClinVar:

NR_003051.3(RMRP):n.-19_-13dupTCTGTGA

Gene: RMRP (RNA component of mitochondrial RNA processing endoribonuclease; minus strand). Cytogenetic location: 9p13.3.
Variant type: Duplication.
Genome position: GRCh38 VCF-style: chr9-35658030-T-TTCACAGA. GRCh37 (hg19) VCF-style: chr9-35658027-T-TTCACAGA.
Identifiers: ClinVar variation 279883 (VCV000279883.10), dbSNP rs1554651506, ClinGen allele CA10603207.
Genomic context (GRCh38, chr9:35,658,030, plus strand): 5'-AACAGAGTCCTCAGTGTGTAGCCTAGGATACAGGCCTTCAGCACGAACCACGTCCTCAGC[T>TTCACAGA]TCACAGAGTAGTATTTTATAGCCCTAAAGAAATTGTGTTTTATGATTAGGGTGAGAAAGT-3'

ClinVar aggregate classification (germline): Pathogenic/Likely pathogenic. Review status: criteria provided, multiple submitters, no conflicts (2 of 4 stars). 5 submissions from 5 submitters: Pathogenic (3); Likely pathogenic (1). 1 of the submissions does not count toward it. Last evaluated 2026-01-19.

Conditions:
RMRP-related disorder. Also called: RMRP-related condition.
Anauxetic dysplasia. Identifiers: Orphanet 93347, MedGen C1846796, MONDO:0011773.
Metaphyseal chondrodysplasia, McKusick type (CHH). Also called: Cartilage-Hair Hypoplasia (CHH); Cartilage-hair hypoplasia. Identifiers: Orphanet 175, MedGen C0220748, MONDO:0009595, OMIM 250250.

Allele frequency attached by ClinVar (database versions not stated): gnomAD 0.00005; gnomAD exomes 0.00002 and 0.00007.

Submissions (5):

Labcorp Genetics (formerly Invitae), Labcorp
Classification: Pathogenic for Anauxetic dysplasia. Last evaluated: 2026-01-19. Review status: criteria provided, single submitter. Criteria: Invitae Variant Classification Sherloc (09022015). Collection method: clinical testing. Allele origin: germline.
Comment: This variant occurs in the RMRP gene, which encodes an RNA molecule that does not result in a protein product. This variant is present in population databases (no rsID available, gnomAD 0.007%). This variant has been observed in individuals with cartilage-hair hypoplasia (PMID: 12107819; internal data). Other insertions and duplications immediately upstream of the coding sequence have been reported in individuals affected with cartilage-hair hypoplasia-anauxetic dysplasia (CHH-AD) spectrum disorders (PMID: 16244706, 11207361, 12107819). This variant is also known as -13dupTCTGTGA. ClinVar contains an entry for this variant (Variation ID: 279883). While functional studies for this variant have not been reported, experimental analyses using patient derived cells, as well as in vitro transfection studies, have shown that promoter insertions result in silencing of RMRP transcription and reduced expression of the gene product (PMID: 11207361, 16254002). For these reasons, this variant has been classified as Pathogenic.

Natera, Inc.
Classification: Pathogenic for Cartilage-hair hypoplasia. Last evaluated: 2025-08-12. Review status: criteria provided, single submitter. Criteria: Natera Variant Classification Schema (03/2026). Collection method: clinical testing. Allele origin: germline.
Comment: The n.-19_-13dupTCTGTGA variant in RMRP is a duplication affecting the RMRP promoter region between the TATA box and the transcription initiation site. Other duplications and insertions just upstream of the transcription initiation site have been reported in individuals affected with cartilage-hair hypoplasia (PMID: 11207361, 17937437). This variant is rare in the general population with a frequency below the threshold expected for the associated phenotype(s). This variant has been observed in one or more individuals affected with the associated recessive disease, as either homozygous or compound heterozygous with a second variant (PMID: 16244706). Given the available evidence, this variant is classified as Pathogenic.

Blueprint Genetics
Classification: Likely pathogenic for RMRP-related disorders. Last evaluated: 2024-06-10. Review status: criteria provided, single submitter. Criteria: ACMG Guidelines, 2015. Collection method: clinical testing. Allele origin: germline. Affected: yes. Observed: 3 variant alleles.

GeneDx
Classification: Pathogenic. Last evaluated: 2016-07-01. Review status: criteria provided, single submitter. Criteria: GeneDx Variant Classification (06012015). Collection method: clinical testing. Allele origin: germline. Affected: yes.
Comment: The r.-(19_13)duptctgtga variant has been reported previously in association with CHH (Ridanpää et al., 2002; Hermanns et al., 2006; Kavadas et al., 2008).

Counsyl
Classification: Likely pathogenic for Metaphyseal chondrodysplasia, McKusick type. Last evaluated: 2017-03-17. Review status: no assertion criteria provided. Collection method: clinical testing. Allele origin: unknown. Not counted in ClinVar's aggregate classification.

Literature cited by the submitters: PubMed 12107819 (cited by Labcorp Genetics (formerly Invitae), Labcorp and Counsyl); PubMed 16244706 (cited by 3 submitters); PubMed 11207361 (cited by 3 submitters); PubMed 16254002 (cited by Labcorp Genetics (formerly Invitae), Labcorp and Counsyl); PubMed 17937437 (cited by Natera, Inc. and Counsyl); PubMed 14608646 (cited by Counsyl); PubMed 18804272 (cited by Counsyl); PubMed 16838329 (cited by Counsyl).